The following is an entry in ClinVar:

ClinVar aggregate classification (germline): Conflicting classifications of pathogenicity. Review status: criteria provided, conflicting classifications (1 of 4 stars). 6 submissions from 5 submitters: Uncertain significance (2); Likely benign (3). 1 of the submissions does not count toward it. Last evaluated 2025-03-13.

Conditions:
Inborn genetic diseases. Identifiers: MedGen C0950123, MeSH D030342.
Amyotrophic lateral sclerosis type 4 (ALS4). Also called: AMYOTROPHIC LATERAL SCLEROSIS 4, JUVENILE; NEURONOPATHY, DISTAL HEREDITARY MOTOR, WITH PYRAMIDAL FEATURES. Identifiers: Orphanet 357043, MedGen C1865409, MONDO:0011223, OMIM 602433.
Spinocerebellar ataxia, autosomal recessive, with axonal neuropathy 2 (SCAN2). Also called: Ataxia with Oculomotor Apraxia; Ataxia-ocular apraxia-2; Ataxia with Oculomotor Apraxia Type 2; ATAXIA-OCULOMOTOR APRAXIA 2. Identifiers: Orphanet 64753, MedGen C1853761, MONDO:0018996, OMIM 606002.
SETX-related disorder. Also called: SETX-related disorders; SETX-related condition. Identifiers: MedGen CN239403.

Allele frequency attached by ClinVar (database versions not stated): gnomAD exomes 0.00006 and 0.00009; ExAC 0.00014; 1000 Genomes Project 0.00040; gnomAD 0.00046 and 0.00051; 1000 Genomes Project 30x 0.00047; TOPMed 0.00053; ESP Exome Variant Server 0.00062.
gnomAD v4.1: 167 of 1,613,652 alleles (0.01%); highest among the groups gnomAD compares: African/African-American, 0.2%; 1 homozygote.

Submissions (6):

Labcorp Genetics (formerly Invitae), Labcorp
Classification: Likely benign for Amyotrophic lateral sclerosis type 4; Spinocerebellar ataxia, autosomal recessive, with axonal neuropathy 2. Last evaluated: 2025-03-13. Review status: criteria provided, single submitter. Criteria: Invitae Variant Classification Sherloc (09022015). Collection method: clinical testing. Allele origin: germline.

Athena Diagnostics
Classification: Likely benign. Last evaluated: 2024-08-13. Review status: criteria provided, single submitter. Criteria: Athena Diagnostics Criteria. Collection method: clinical testing. Allele origin: unknown.

Ambry Genetics
Classification: Uncertain significance for Inborn genetic diseases. Last evaluated: 2019-09-10. Review status: criteria provided, single submitter. Criteria: Ambry Variant Classification Scheme 2023. Collection method: clinical testing. Allele origin: germline.
Comment: The p.T1825A variant (also known as c.5473A>G), located in coding exon 10 of the SETX gene, results from an A to G substitution at nucleotide position 5473. The threonine at codon 1825 is replaced by alanine, an amino acid with similar properties. This amino acid position is poorly conserved in available vertebrate species. In addition, this alteration is predicted to be tolerated by in silico analysis. Based on the supporting evidence, this variant is unlikely to be causative of autosomal dominant juvenile amyotrophic lateral sclerosis 4 (ALS4); however, its contribution to the development of autosomal recessive spinocerebellar ataxia with axonal neuropathy 2 (SCAN2) is uncertain.

Illumina Laboratory Services, Illumina
Classification: Likely benign for Amyotrophic lateral sclerosis type 4. Last evaluated: 2018-01-13. Review status: criteria provided, single submitter. Criteria: ICSL Variant Classification Criteria 13 December 2019. Collection method: clinical testing. Allele origin: germline.
Comment: This variant was observed in the ICSL laboratory as part of a predisposition screen in an ostensibly healthy population. It had not been previously curated by ICSL or reported in the Human Gene Mutation Database (HGMD: prior to June 1st, 2018), and was therefore a candidate for classification through an automated scoring system. Utilizing variant allele frequency, disease prevalence and penetrance estimates, and inheritance mode, an automated score was calculated to assess if this variant is too frequent to cause the disease. Based on the score and internal cut-off values, a variant classified as likely benign is not then subjected to further curation. The score for this variant resulted in a classification of likely benign for this disease.

Illumina Laboratory Services, Illumina
Classification: Uncertain significance for Spinocerebellar ataxia, autosomal recessive, with axonal neuropathy 2. Last evaluated: 2018-01-13. Review status: criteria provided, single submitter. Criteria: ICSL Variant Classification Criteria 13 December 2019. Collection method: clinical testing. Allele origin: germline.

PreventionGenetics, part of Exact Sciences
Classification: Likely benign for SETX-related condition. Last evaluated: 2023-08-28. Review status: no assertion criteria provided. Collection method: clinical testing. Allele origin: germline. Not counted in ClinVar's aggregate classification.
Comment: This variant is classified as likely benign based on ACMG/AMP sequence variant interpretation guidelines (Richards et al. 2015 PMID: 25741868, with internal and published modifications).

Literature cited by the submitters: PubMed 36846110 (cited by Athena Diagnostics).

NM_015046.7(SETX):c.5473A>G (p.Thr1825Ala)

Gene: SETX (senataxin; minus strand). Cytogenetic location: 9q34.13.
Variant type: single nucleotide variant.
Coding change: c.5473A>G on transcript NM_015046.7 (MANE Select); coding-DNA position 5473, A replaced by G.
Protein change: p.Thr1825Ala; replaces threonine 1825 with alanine.
Molecular consequence: missense variant.
Genome position (GRCh38, 1-based): chr9:132,300,705, T>C on the plus strand (A>G on the coding strand, the complement: SETX is on the minus strand). VCF-style: chr9-132300705-T-C. GRCh37 (hg19) VCF-style: chr9-135176092-T-C.
Other names: c.5473A>G, p.Thr1825Ala (NM_001351527.2, NM_001351528.2); short protein forms T1825A.
Identifiers: ClinVar variation 663550 (VCV000663550.22), dbSNP rs151046729, ClinGen allele CA5296976.